The following is an entry in ClinVar:

NM_015557.3(CHD5):c.4261-9C>G

Gene: CHD5 (chromodomain helicase DNA binding protein 5; minus strand). Cytogenetic location: 1p36.31.
Variant type: single nucleotide variant.
Coding change: c.4261-9C>G on transcript NM_015557.3 (MANE Select); 9 bases into the intron before coding-DNA position 4261, C replaced by G.
Molecular consequence: intron variant.
Genome position (GRCh38, 1-based): chr1:6,125,242, G>C on the plus strand (C>G on the coding strand, the complement: CHD5 is on the minus strand). VCF-style: chr1-6125242-G-C. GRCh37 (hg19) VCF-style: chr1-6185302-G-C.
Identifiers: ClinVar variation 2570707 (VCV002570707.27), dbSNP rs2525367347, ClinGen allele CA2580612911.

ClinVar aggregate classification (germline): Uncertain significance (1 of 4 stars; one submission).

Submission:

CeGaT Center for Human Genetics Tuebingen
Classification: Uncertain significance. Last evaluated: 2023-04-01. Review status: criteria provided, single submitter. Criteria: CeGaT Center For Human Genetics Tuebingen Variant Classification Criteria Version 2. Collection method: clinical testing. Allele origin: germline. Affected: yes. Observed: 1 variant allele.
Comment: CHD5: PM2, PP3